The following is an entry in ClinVar:

ClinVar aggregate classification (germline): Benign/Likely benign. Review status: criteria provided, multiple submitters, no conflicts (2 of 4 stars). 3 submissions from 3 submitters: Benign (2); Likely benign (1). Last evaluated 2026-09-01.

Allele frequency attached by ClinVar (database versions not stated): ESP Exome Variant Server 0.00088; gnomAD exomes 0.00146 and 0.00314; gnomAD 0.00150 and 0.00157; TOPMed 0.00163; 1000 Genomes Project 30x 0.00172; 1000 Genomes Project 0.00180; ExAC 0.00380.
gnomAD v4.1: 2,402 of 1,552,070 alleles (0.15%); highest among the groups gnomAD compares: Middle Eastern, 4%; 30 homozygotes.

Submissions (3):

CeGaT Center for Human Genetics Tuebingen
Classification: Likely benign. Last evaluated: 2026-09-01. Review status: criteria provided, single submitter. Criteria: CeGaT Center For Human Genetics Tuebingen Variant Classification Criteria Version 2. Collection method: clinical testing. Allele origin: germline. Affected: yes. Observed: 6 variant alleles.
Comment: UNC80: BP4, BP7, BS2

Labcorp Genetics (formerly Invitae), Labcorp
Classification: Benign. Last evaluated: 2026-01-28. Review status: criteria provided, single submitter. Criteria: Invitae Variant Classification Sherloc (09022015). Collection method: clinical testing. Allele origin: germline.

Breakthrough Genomics
Classification: Benign. Review status: criteria provided, single submitter. Criteria: ACMG Guidelines, 2015. Collection method: not provided. Allele origin: germline. Inheritance: Autosomal recessive inheritance. Affected: yes.

NM_001371986.1(UNC80):c.9933G>A (p.Glu3311=)

Gene: UNC80 (unc-80 subunit of NALCN channel complex; plus strand). Cytogenetic location: 2q34.
Variant type: single nucleotide variant.
Coding change: c.9933G>A on transcript NM_001371986.1 (MANE Select); coding-DNA position 9933, G replaced by A.
Protein change: p.Glu3311=; no amino-acid change (glutamic acid 3311 retained).
Molecular consequence: synonymous variant.
Genome position (GRCh38, 1-based): chr2:209,995,553, G>A. VCF-style: chr2-209995553-G-A. GRCh37 (hg19) VCF-style: chr2-210860277-G-A.
Other names: c.9735G>A, p.Glu3245= (NM_032504.2); c.9663G>A, p.Glu3221= (NM_182587.4).
Identifiers: ClinVar variation 791525 (VCV000791525.35), dbSNP rs138970658, ClinGen allele CA2083727.